The following is an entry in ClinVar:

ClinVar aggregate classification (germline): Likely benign (1 of 4 stars; one submission).

Submission:

CeGaT Center for Human Genetics Tuebingen
Classification: Likely benign. Last evaluated: 2026-08-01. Review status: criteria provided, single submitter. Criteria: CeGaT Center For Human Genetics Tuebingen Variant Classification Criteria Version 2. Collection method: clinical testing. Allele origin: germline. Affected: yes. Observed: 1 variant allele.
Comment: POMGNT2: PM2:Supporting, BP4, BP7

NM_032806.6(POMGNT2):c.873C>G (p.Val291=)

Gene: POMGNT2 (protein O-linked mannose N-acetylglucosaminyltransferase 2 (beta 1,4-); minus strand). Cytogenetic location: 3p22.1.
Variant type: single nucleotide variant.
Coding change: c.873C>G on transcript NM_032806.6 (MANE Select); coding-DNA position 873, C replaced by G.
Protein change: p.Val291=; no amino-acid change (valine 291 retained).
Molecular consequence: synonymous variant.
Genome position (GRCh38, 1-based): chr3:43,080,559, G>C on the plus strand (C>G on the coding strand, the complement: POMGNT2 is on the minus strand). VCF-style: chr3-43080559-G-C. GRCh37 (hg19) VCF-style: chr3-43122051-G-C.
Other names: c.873C>G, p.Val291= (NM_001437285.1).
Identifiers: ClinVar variation 5039535 (VCV005039535.1).
Genomic context (GRCh38, chr3:43,080,559, plus strand): 5'-GGCCAGTGCCAGCAGCAGCTCTGCCTCATTCAGAATGAGTCTGTTCTGGGTTCGGCTAAA[G>C]ACCAGAATGTACTCCTCGCCTAGGGGGACTCCTGTGTGGCTCACGTTCAGCTTTTCTGTC-3'
Protein context (NP_116195.2, residues 281-301): GVPLGEEYIL[Val291=]FSRTQNRLIL